The following is an entry in ClinVar:

NM_004859.4(CLTC):c.262C>T (p.Leu88Phe)

Gene: CLTC (clathrin heavy chain; plus strand). Cytogenetic location: 17q23.1.
Variant type: single nucleotide variant.
Coding change: c.262C>T on transcript NM_004859.4 (MANE Select); coding-DNA position 262, C replaced by T.
Protein change: p.Leu88Phe; replaces leucine 88 with phenylalanine.
Molecular consequence: missense variant.
Genome position (GRCh38, 1-based): chr17:59,647,409, C>T. VCF-style: chr17-59647409-C-T. GRCh37 (hg19) VCF-style: chr17-57724770-C-T.
Other names: c.274C>T, p.Leu92Phe (NM_001288653.2); short protein forms L88F, L92F.
Identifiers: ClinVar variation 3603114 (VCV003603114.1).

ClinVar aggregate classification (germline): Uncertain significance (1 of 4 stars; one submission).

Submission:

GeneDx
Classification: Uncertain significance. Last evaluated: 2024-08-05. Review status: criteria provided, single submitter. Criteria: GeneDx Variant Classification Process June 2021. Collection method: clinical testing. Allele origin: germline. Affected: yes.
Comment: Not observed at significant frequency in large population cohorts (gnomAD); In silico analysis supports that this missense variant has a deleterious effect on protein structure/function; Has not been previously published as pathogenic or benign to our knowledge